The following is an entry in ClinVar:

ClinVar aggregate classification (germline): Uncertain significance (1 of 4 stars; one submission).

Submission:

Greenwood Genetic Center Diagnostic Laboratories, Greenwood Genetic Center
Classification: Uncertain significance. Last evaluated: 2023-06-01. Review status: criteria provided, single submitter. Criteria: ACMG Guidelines, 2015. Collection method: clinical testing. Allele origin: germline. Affected: yes.
Comment: PM2, PM4

NM_016628.5(WAC):c.1292_1294del (p.Gln431del)

Gene: WAC (WW domain containing adaptor with coiled-coil; plus strand). Cytogenetic location: 10p12.1.
Variant type: Deletion.
Coding change: c.1292_1294del on transcript NM_016628.5 (MANE Select); coding-DNA positions 1292 to 1294, 3 bases deleted (AGC; older notation c.1292_1294delAGC).
Protein change: p.Gln431del; deletes glutamine 431.
Molecular consequence: inframe deletion.
Genome position (GRCh38, 1-based): chr10:28,611,777-28,611,779, AGC deleted; deleting any 3 consecutive bases within chr10:28,611,776-28,611,779 gives the same sequence; the c. name uses the placement nearest the transcript's 3' end. VCF-style (leftmost placement, unchanged base first): chr10-28611775-CCAG-C. GRCh37 (hg19) VCF-style: chr10-28900704-CCAG-C.
Other names: c.1157_1159del, p.Gln386del (NM_100264.3); c.983_985del, p.Gln328del (NM_100486.4); short protein forms Q328del, Q386del, Q431del.
Identifiers: ClinVar variation 2572246 (VCV002572246.1), dbSNP rs2492158780, ClinGen allele CA2580615448.